The following is an entry in ClinVar:

ClinVar aggregate classification (germline): Uncertain significance (1 of 4 stars; one submission).

Conditions:
Proline dehydrogenase deficiency (HYRPRO1). Also called: Hyperprolinemia type 1; PROLINE OXIDASE DEFICIENCY. Identifiers: Orphanet 419, MedGen C0268529, MONDO:0009400, OMIM 239500.

Allele frequency attached by ClinVar (database versions not stated): ExAC 0.00013.

Submission:

Labcorp Genetics (formerly Invitae), Labcorp
Classification: Uncertain significance for Proline dehydrogenase deficiency. Last evaluated: 2023-07-31. Review status: criteria provided, single submitter. Criteria: Invitae Variant Classification Sherloc (09022015). Collection method: clinical testing. Allele origin: germline.
Comment: The frequency data for this variant in the population databases is considered unreliable, as metrics indicate poor data quality at this position in the gnomAD database. In summary, the available evidence is currently insufficient to determine the role of this variant in disease. Therefore, it has been classified as a Variant of Uncertain Significance. An algorithm developed to predict the effect of missense changes on protein structure and function (PolyPhen-2) suggests that this variant is likely to be tolerated. This variant has not been reported in the literature in individuals affected with PRODH-related conditions. This sequence change replaces arginine, which is basic and polar, with cysteine, which is neutral and slightly polar, at codon 63 of the PRODH protein (p.Arg63Cys).

NM_016335.6(PRODH):c.187C>T (p.Arg63Cys)

Gene: PRODH (proline dehydrogenase 1; minus strand). Cytogenetic location: 22q11.21.
Variant type: single nucleotide variant.
Coding change: c.187C>T on transcript NM_016335.6 (MANE Select); coding-DNA position 187, C replaced by T.
Protein change: p.Arg63Cys; replaces arginine 63 with cysteine.
Molecular consequence: missense variant. On other transcripts: intron variant (2).
Genome position (GRCh38, 1-based): chr22:18,936,101, G>A on the plus strand (C>T on the coding strand, the complement: PRODH is on the minus strand). VCF-style: chr22-18936101-G-A. GRCh37 (hg19) VCF-style: chr22-18923614-G-A.
Other names: c.-52+289C>T (NM_001195226.2); c.-52+69C>T (NM_001368250.2); short protein forms R63C.
Identifiers: ClinVar variation 2891634 (VCV002891634.3), dbSNP rs756861179, ClinGen allele CA10095498.